The following is an entry in ClinVar:

NM_014956.5(CEP164):c.389C>T (p.Ser130Leu)

Gene: CEP164 (centrosomal protein 164; plus strand). Cytogenetic location: 11q23.3.
Variant type: single nucleotide variant.
Coding change: c.389C>T on transcript NM_014956.5 (MANE Select); coding-DNA position 389, C replaced by T.
Protein change: p.Ser130Leu; replaces serine 130 with leucine.
Molecular consequence: missense variant.
Genome position (GRCh38, 1-based): chr11:117,351,984, C>T. VCF-style: chr11-117351984-C-T. GRCh37 (hg19) VCF-style: chr11-117222700-C-T.
Other names: c.389C>T, p.Ser130Leu (NM_001271933.2); c.389C>T (NM_014956.4); short protein forms S130L.
Identifiers: ClinVar variation 1490194 (VCV001490194.7), dbSNP rs1006672566, ClinGen allele CA229380338.

ClinVar aggregate classification (germline): Uncertain significance. Review status: criteria provided, multiple submitters, no conflicts (2 of 4 stars). 3 submissions from 3 submitters: Uncertain significance (3). Last evaluated 2026-03-19.

Conditions:
CEP164-related disorder. Also called: CEP164-related condition.
Nephronophthisis 15 (NPHP15). Identifiers: Orphanet 3156, MedGen C3541853, MONDO:0013917, OMIM 614845.

Allele frequency attached by ClinVar (database versions not stated): gnomAD 0.00001 and 0.00002; gnomAD exomes 0.00002; TOPMed 0.00002.
gnomAD v4.1: 25 of 1,570,042 alleles (0.0016%); highest among the groups gnomAD compares: South Asian, 0.0023%; no homozygotes.

Submissions (3):

PreventionGenetics, part of Exact Sciences
Classification: Uncertain significance for CEP164-related condition. Last evaluated: 2026-03-19. Review status: criteria provided, single submitter. Criteria: ACMG Guidelines, 2015. Collection method: clinical testing. Allele origin: germline.
Comment: The CEP164 c.389C>T variant is predicted to result in the amino acid substitution p.Ser130Leu. To our knowledge, this variant has not been reported in the literature or in a large population database (gnomAD), indicating this variant is rare. At this time, the clinical significance of this variant is uncertain due to the absence of conclusive functional and genetic evidence.

Labcorp Genetics (formerly Invitae), Labcorp
Classification: Uncertain significance for Nephronophthisis 15. Last evaluated: 2022-08-16. Review status: criteria provided, single submitter. Criteria: Invitae Variant Classification Sherloc (09022015). Collection method: clinical testing. Allele origin: germline.
Comment: This sequence change replaces serine, which is neutral and polar, with leucine, which is neutral and non-polar, at codon 130 of the CEP164 protein (p.Ser130Leu). This variant is not present in population databases (gnomAD no frequency). This variant has not been reported in the literature in individuals affected with CEP164-related conditions. ClinVar contains an entry for this variant (Variation ID: 1490194). Algorithms developed to predict the effect of missense changes on protein structure and function output the following: SIFT: "Tolerated"; PolyPhen-2: "Benign"; Align-GVGD: "Class C0". The leucine amino acid residue is found in multiple mammalian species, which suggests that this missense change does not adversely affect protein function. In summary, the available evidence is currently insufficient to determine the role of this variant in disease. Therefore, it has been classified as a Variant of Uncertain Significance.

Blueprint Genetics
Classification: Uncertain significance. Last evaluated: 2022-04-14. Review status: criteria provided, single submitter. Criteria: ACMG Guidelines, 2015. Collection method: clinical testing. Allele origin: germline.